The following is an entry in ClinVar:

NM_023067.4(FOXL2):c.942C>T (p.Ala314=)

Gene: FOXL2 (forkhead box L2; minus strand). Cytogenetic location: 3q22.3.
Variant type: single nucleotide variant.
Coding change: c.942C>T on transcript NM_023067.4 (MANE Select); coding-DNA position 942, C replaced by T.
Protein change: p.Ala314=; no amino-acid change (alanine 314 retained).
Molecular consequence: synonymous variant.
Genome position (GRCh38, 1-based): chr3:138,945,781, G>A on the plus strand (C>T on the coding strand, the complement: FOXL2 is on the minus strand). VCF-style: chr3-138945781-G-A. GRCh37 (hg19) VCF-style: chr3-138664623-G-A.
Identifiers: ClinVar variation 2654193 (VCV002654193.28), dbSNP rs964202335, ClinGen allele CA83969673.
Genomic context (GRCh38, chr3:138,945,781, plus strand): 5'-CGCCGGGGGCGCGGCGGTGGCTGGGCTGGCAGGGCTGAGCTGGCCCGGCGGCGGCGCGGC[G>A]GCCCCGTGGTGCGGTGGGGCAGGCGGCGGTGCGGCGGCCGCGTGCAGATGGTGTGCGTGC-3'
Protein context (NP_075555.1, residues 304-324): APPPAPPHHG[Ala314=]AAPPPGQLSP

ClinVar aggregate classification (germline): Likely benign. Review status: criteria provided, multiple submitters, no conflicts (2 of 4 stars). 3 submissions from 3 submitters: Likely benign (3). Last evaluated 2026-09-01.

Allele frequency attached by ClinVar (database versions not stated): gnomAD 0.00012; TOPMed 0.00015; 1000 Genomes Project 30x 0.00016; gnomAD exomes 0.00017.

Submissions (3):

CeGaT Center for Human Genetics Tuebingen
Classification: Likely benign. Last evaluated: 2026-09-01. Review status: criteria provided, single submitter. Criteria: CeGaT Center For Human Genetics Tuebingen Variant Classification Criteria Version 2. Collection method: clinical testing. Allele origin: germline. Affected: yes. Observed: 3 variant alleles.
Comment: FOXL2: BP4, BP7

Blueprint Genetics
Classification: Likely benign. Last evaluated: 2024-11-26. Review status: criteria provided, single submitter. Criteria: ACMG Guidelines, 2015. Collection method: clinical testing. Allele origin: germline.

Labcorp Genetics (formerly Invitae), Labcorp
Classification: Likely benign. Last evaluated: 2022-11-17. Review status: criteria provided, single submitter. Criteria: Invitae Variant Classification Sherloc (09022015). Collection method: clinical testing. Allele origin: germline.